The following is an entry in ClinVar:

NM_001191061.2(SLC25A22):c.874G>A (p.Ala292Thr)

Gene: SLC25A22 (solute carrier family 25 member 22; minus strand). Cytogenetic location: 11p15.5.
Variant type: single nucleotide variant.
Coding change: c.874G>A on transcript NM_001191061.2 (MANE Select); coding-DNA position 874, G replaced by A.
Protein change: p.Ala292Thr; replaces alanine 292 with threonine.
Molecular consequence: missense variant.
Genome position (GRCh38, 1-based): chr11:792,013, C>T on the plus strand (G>A on the coding strand, the complement: SLC25A22 is on the minus strand). VCF-style: chr11-792013-C-T. GRCh37 (hg19) VCF-style: chr11-792013-C-T.
Other names: p.A292T:GCG>ACG; c.874G>A, p.Ala292Thr (NM_001191060.2, NM_024698.6); short protein forms A292T.
Identifiers: ClinVar variation 207173 (VCV000207173.10), dbSNP rs369729483, ClinGen allele CA318397.
Genomic context (GRCh38, chr11:792,013, plus strand): 5'-CCGCGATGCCCAGGAAGTAGACCACCTGTGCGATGCCGAAAAGGGGCGCGATGACCAGCG[C>T]GCGGCAGTAGGCGCCCTTCAGGAAGGCCGAGGGGCCCTCGTGCCGCAGGATCTTCCTGTG-3'
Protein context (NP_001177990.1, residues 282-302): SAFLKGAYCR[Ala292Thr]LVIAPLFGIA

ClinVar aggregate classification (germline): Uncertain significance. Review status: criteria provided, multiple submitters, no conflicts (2 of 4 stars). 2 submissions from 2 submitters: Uncertain significance (2). Last evaluated 2022-07-19.

Conditions:
Developmental and epileptic encephalopathy. Identifiers: MedGen C5779964, MONDO:0100620.

Allele frequency attached by ClinVar (database versions not stated): gnomAD 0.00001; gnomAD exomes 0.00001 and 0.00003; TOPMed 0.00001; ExAC 0.00005.
gnomAD v4.1: 21 of 1,606,884 alleles (0.0013%); highest among the groups gnomAD compares: East Asian, 0.0045%; no homozygotes.

Submissions (2):

Labcorp Genetics (formerly Invitae), Labcorp
Classification: Uncertain significance for Early-infantile DEE. Last evaluated: 2022-07-19. Review status: criteria provided, single submitter. Criteria: Invitae Variant Classification Sherloc (09022015). Collection method: clinical testing. Allele origin: germline.
Comment: This sequence change replaces alanine, which is neutral and non-polar, with threonine, which is neutral and polar, at codon 292 of the SLC25A22 protein (p.Ala292Thr). This variant is present in population databases (rs369729483, gnomAD 0.01%). This variant has not been reported in the literature in individuals affected with SLC25A22-related conditions. ClinVar contains an entry for this variant (Variation ID: 207173). Algorithms developed to predict the effect of missense changes on protein structure and function are either unavailable or do not agree on the potential impact of this missense change (SIFT: "Tolerated"; PolyPhen-2: "Probably Damaging"; Align-GVGD: "Class C0"). In summary, the available evidence is currently insufficient to determine the role of this variant in disease. Therefore, it has been classified as a Variant of Uncertain Significance.

GeneDx
Classification: Uncertain significance. Last evaluated: 2012-08-10. Review status: criteria provided, single submitter. Criteria: GeneDx Variant Classification (06012015). Collection method: clinical testing. Allele origin: germline. Affected: yes.
Comment: p.Ala292Thr (GCG>ACG):c.874 G>A in exon 10 of the SLC25A22 gene (NM_024698.4). The Ala292Thr missense change has not been published as a mutation, nor has it been reported as a benign polymorphism to our knowledge. The NHLBI ESP Exome Variant Project has not identified Ala292Thr in approximately 6,500 individuals of European or African American ethnicity, indicating that it is not a common benign variant in these populations. The amino acid substitution is non-conservative, as a non-polar Alanine residue is replaced by a polar Threonine residue. It alters a position in the sixth transmembrane region of the protein that is conserved across species, although a Threonine residue is present at this position in primates. Multiple in silico algorithms predict the Ala292Thr may be damaging to protein structure/function. Therefore, based on the currently available information, it is unclear whether Ala292Thr is a disease-causing mutation or a rare benign variant. The variant is found in INFANT-EPI panel(s).